The following is an entry in ClinVar:

ClinVar aggregate classification (germline): Likely benign (1 of 4 stars; one submission).

Conditions:
NDRG1-related disorder. Also called: NDRG1-related condition.

gnomAD v4.1: 6 of 1,613,910 alleles (0.00037%); highest among the groups gnomAD compares: African/African-American, 0.0013%; no homozygotes.

Submission:

PreventionGenetics, part of Exact Sciences
Classification: Likely benign for NDRG1-related condition. Last evaluated: 2025-04-16. Review status: criteria provided, single submitter. Criteria: ACMG Guidelines, 2015. Collection method: clinical testing. Allele origin: germline.
Comment: This variant is classified as likely benign based on ACMG/AMP sequence variant interpretation guidelines (Richards et al. 2015 PMID: 25741868, with internal and published modifications).

NM_006096.4(NDRG1):c.-10C>T

Gene: NDRG1 (N-myc downstream regulated 1; minus strand). Cytogenetic location: 8q24.22.
Variant type: single nucleotide variant.
Coding change: c.-10C>T on transcript NM_006096.4 (MANE Select); 10 bases upstream of the start codon, C replaced by T.
Molecular consequence: 5 prime UTR variant. On other transcripts: intron variant (2).
Genome position (GRCh38, 1-based): chr8:133,284,321, G>A on the plus strand (C>T on the coding strand, the complement: NDRG1 is on the minus strand). VCF-style: chr8-133284321-G-A. GRCh37 (hg19) VCF-style: chr8-134296564-G-A.
Other names: c.-10C>T (NM_001135242.2, NM_001374844.1, NM_001374845.1 and 1 more transcripts); c.-147C>T (NM_001258433.2); c.-100+12813C>T (NM_001258432.2); c.-135-4054C>T (NM_001374847.1).
Identifiers: ClinVar variation 4980731 (VCV004980731.1).